The following is an entry in ClinVar:

NM_000346.4(SOX9):c.413C>A (p.Thr138Lys)

Genes: SOX9 (SRY-box transcription factor 9; plus strand), LOC108021846 (SOX9 promoter region; plus strand). Cytogenetic location: 17q24.3.
Variant type: single nucleotide variant.
Coding change: c.413C>A on transcript NM_000346.4 (MANE Select); coding-DNA position 413, C replaced by A.
Protein change: p.Thr138Lys; replaces threonine 138 with lysine.
Molecular consequence: missense variant.
Genome position (GRCh38, 1-based): chr17:72,121,804, C>A. VCF-style: chr17-72121804-C-A. GRCh37 (hg19) VCF-style: chr17-70117945-C-A.
Other names: short protein forms T138K.
Identifiers: ClinVar variation 453015 (VCV000453015.2), dbSNP rs1555629043, ClinGen allele CA400866225.

ClinVar aggregate classification (germline): Likely pathogenic (1 of 4 stars; one submission).

Submission:

GeneDx
Classification: Likely pathogenic. Last evaluated: 2017-10-25. Review status: criteria provided, single submitter. Criteria: GeneDx Variant Classification (06012015). Collection method: clinical testing. Allele origin: germline. Affected: yes.
Comment: The T138K variant in the SOX9 gene has not been reported previously as a pathogenic variant, nor as a benign variant, to our knowledge. The T138K variant is not observed in large population cohorts (Lek et al., 2016). The T138K variant is a semi-conservative amino acid substitution, which occurs at a position that is conserved across species. In silico analysis predicts this variant is probably damaging to the protein structure/function. We interpret T138K as a likely pathogenic variant.